The following is an entry in ClinVar:

NM_000810.4(GABRA5):c.1322A>C (p.Asn441Thr)

Gene: GABRA5 (gamma-aminobutyric acid type A receptor subunit alpha5; plus strand). Cytogenetic location: 15q12.
Variant type: single nucleotide variant.
Coding change: c.1322A>C on transcript NM_000810.4 (MANE Select); coding-DNA position 1322, A replaced by C.
Protein change: p.Asn441Thr; replaces asparagine 441 with threonine.
Molecular consequence: missense variant.
Genome position (GRCh38, 1-based): chr15:26,948,166, A>C. VCF-style: chr15-26948166-A-C. GRCh37 (hg19) VCF-style: chr15-27193313-A-C.
Other names: c.1322A>C, p.Asn441Thr (NM_001165037.2); short protein forms N441T.
Identifiers: ClinVar variation 4056502 (VCV004056502.1).

ClinVar aggregate classification (germline): Uncertain significance (1 of 4 stars; one submission).

Conditions:
Developmental and epileptic encephalopathy, 79. Also called: EPILEPTIC ENCEPHALOPATHY, EARLY INFANTILE, 79. Identifiers: MedGen C5231410, MONDO:0032813, OMIM 618559.

Submission:

Laboratorio de Genetica e Diagnostico Molecular, Hospital Israelita Albert Einstein
Classification: Uncertain significance for Developmental and epileptic encephalopathy, 79. Last evaluated: 2025-03-26. Review status: criteria provided, single submitter. Criteria: ACMG Guidelines, 2015. Collection method: clinical testing. Allele origin: germline. Affected: yes.
Comment: ACMG classification criteria: PM2 supporting, PP2 supporting, PP3 supporting